The following is an entry in ClinVar:

NM_001009944.3(PKD1):c.12464T>C (p.Phe4155Ser)

Gene: PKD1 (polycystin 1, transient receptor potential channel interacting; minus strand). Cytogenetic location: 16p13.3.
Variant type: single nucleotide variant.
Coding change: c.12464T>C on transcript NM_001009944.3 (MANE Select); coding-DNA position 12464, T replaced by C.
Protein change: p.Phe4155Ser; replaces phenylalanine 4155 with serine.
Molecular consequence: missense variant.
Genome position (GRCh38, 1-based): chr16:2,090,175, A>G on the plus strand (T>C on the coding strand, the complement: PKD1 is on the minus strand). VCF-style: chr16-2090175-A-G. GRCh37 (hg19) VCF-style: chr16-2140176-A-G.
Other names: c.12461T>C, p.Phe4154Ser (NM_000296.4); short protein forms F4154S, F4155S.
Identifiers: ClinVar variation 3236023 (VCV003236023.1), dbSNP rs2544581051, ClinGen allele CA394322803.
Genomic context (GRCh38, chr16:2,090,175, plus strand): 5'-ACATCCGGGGATACCTTGGAGCCCCTGGAGGAGCGAGAGGGCAGCGGCTCCATCCCTTCA[A>G]AGCGGACTTTGTGGCGGAACTGGGGGCGGCACAGGGGCTCAGTCAGTCCGGCTGCACCCT-3'
Protein context (NP_001009944.3, residues 4145-4165): KVKEFRHKVR[Phe4155Ser]EGMEPLPSRS

ClinVar aggregate classification (germline): Uncertain significance (1 of 4 stars; one submission).

Conditions:
Polycystic kidney disease, adult type (PKD1). Also called: Polycystic Kidney Disease 1, Autosomal Dominant; Polycystic kidney disease 1; Polycystic kidney disease 1, severe; Polycystic Kidney, Autosomal Dominant; POLYCYSTIC KIDNEY DISEASE 1 WITH OR WITHOUT POLYCYSTIC LIVER DISEASE; POLYCYSTIC KIDNEY DISEASE, ADULT, TYPE I. Identifiers: MedGen C3149841, MONDO:0008263, OMIM 173900.

Submission:

MVZ Medizinische Genetik Mainz
Classification: Uncertain significance for Polycystic kidney disease, adult type. Last evaluated: 2023-09-01. Review status: criteria provided, single submitter. Criteria: UK Practice Guidelines For Variant Classification V4 01 2020. Collection method: clinical testing. Allele origin: germline. Inheritance: Autosomal dominant inheritance. Affected: yes. Observed: 1 variant allele.
Comment: ACMG Criteria: PM5,PM2_SUP,PP4